The following is an entry in ClinVar:

NM_004380.3(CREBBP):c.5232G>A (p.Lys1744=)

Gene: CREBBP (CREB binding lysine acetyltransferase; minus strand). Cytogenetic location: 16p13.3.
Variant type: single nucleotide variant.
Coding change: c.5232G>A on transcript NM_004380.3 (MANE Select); coding-DNA position 5232, G replaced by A.
Protein change: p.Lys1744=; no amino-acid change (lysine 1744 retained).
Molecular consequence: synonymous variant.
Genome position (GRCh38, 1-based): chr16:3,729,815, C>T on the plus strand (G>A on the coding strand, the complement: CREBBP is on the minus strand). VCF-style: chr16-3729815-C-T. GRCh37 (hg19) VCF-style: chr16-3779816-C-T.
Other names: c.5118G>A, p.Lys1706= (NM_001079846.1).
Identifiers: ClinVar variation 588155 (VCV000588155.12), dbSNP rs1567263707, ClinGen allele CA493394303.

ClinVar aggregate classification (germline): Likely benign. Review status: criteria provided, multiple submitters, no conflicts (2 of 4 stars). 4 submissions from 4 submitters: Likely benign (4). Last evaluated 2026-09-01.

Conditions:
Rubinstein-Taybi syndrome (RSTS). Identifiers: Orphanet 783, MedGen C0035934, MONDO:0019188.
Inborn genetic diseases. Identifiers: MedGen C0950123, MeSH D030342.

Allele frequency attached by ClinVar (database versions not stated): gnomAD exomes 0.00001.
gnomAD v4.1: 5 of 1,605,518 alleles (0.00031%); highest among the groups gnomAD compares: Middle Eastern, 0.05%; no homozygotes.

Submissions (4):

CeGaT Center for Human Genetics Tuebingen
Classification: Likely benign. Last evaluated: 2026-09-01. Review status: criteria provided, single submitter. Criteria: CeGaT Center For Human Genetics Tuebingen Variant Classification Criteria Version 2. Collection method: clinical testing. Allele origin: germline. Affected: yes. Observed: 1 variant allele.
Comment: CREBBP: BP4

Labcorp Genetics (formerly Invitae), Labcorp
Classification: Likely benign for Rubinstein-Taybi syndrome. Last evaluated: 2025-02-10. Review status: criteria provided, single submitter. Criteria: Invitae Variant Classification Sherloc (09022015). Collection method: clinical testing. Allele origin: germline.

Blueprint Genetics
Classification: Likely benign. Last evaluated: 2022-03-01. Review status: criteria provided, single submitter. Criteria: ACMG Guidelines, 2015. Collection method: clinical testing. Allele origin: germline.

Ambry Genetics
Classification: Likely benign for Inborn genetic diseases. Last evaluated: 2016-08-16. Review status: criteria provided, single submitter. Criteria: Ambry Variant Classification Scheme 2023. Collection method: clinical testing. Allele origin: germline.